The following is an entry in ClinVar:

NM_000751.3(CHRND):c.572G>A (p.Arg191His)

Gene: CHRND (cholinergic receptor nicotinic delta subunit; plus strand). Cytogenetic location: 2q37.1.
Variant type: single nucleotide variant.
Coding change: c.572G>A on transcript NM_000751.3 (MANE Select); coding-DNA position 572, G replaced by A.
Protein change: p.Arg191His; replaces arginine 191 with histidine.
Molecular consequence: missense variant. On other transcripts: intron variant (1).
Genome position (GRCh38, 1-based): chr2:232,528,924, G>A. VCF-style: chr2-232528924-G-A. GRCh37 (hg19) VCF-style: chr2-233393634-G-A.
Other names: c.572G>A (NM_000751.1); c.527G>A, p.Arg176His (NM_001256657.2); c.269G>A, p.Arg90His (NM_001311196.2); c.238+268G>A (NM_001311195.2); short protein forms R176H, R191H, R90H.
Identifiers: ClinVar variation 2440042 (VCV002440042.7), dbSNP rs748125160, ClinGen allele CA2168069.
Genomic context (GRCh38, chr2:232,528,924, plus strand): 5'-CCCTCAAGTATACGGCCAAAGAGATCACCCTGAGCCTGAAACAGGATGCCAAGGAGAACC[G>A]CACCTACCCCGTGGAGTGGATCATCATTGATCCTGAAGGCTTCACAGGTGCTGGGAACAG-3'
Protein context (NP_000742.1, residues 181-201): LSLKQDAKEN[Arg191His]TYPVEWIIID

ClinVar aggregate classification (germline): Uncertain significance. Review status: criteria provided, multiple submitters, no conflicts (2 of 4 stars). 3 submissions from 3 submitters: Uncertain significance (3). Last evaluated 2026-01-07.

Conditions:
Inborn genetic diseases. Identifiers: MedGen C0950123, MeSH D030342.
Lethal multiple pterygium syndrome (LMPS). Identifiers: Orphanet 33108, MedGen C1854678, MONDO:0009668, OMIM 253290.

Allele frequency attached by ClinVar (database versions not stated): TOPMed 0.00006.
gnomAD v4.1: 29 of 1,613,924 alleles (0.0018%); highest among the groups gnomAD compares: Middle Eastern, 0.049%; no homozygotes.

Submissions (3):

Labcorp Genetics (formerly Invitae), Labcorp
Classification: Uncertain significance for Lethal multiple pterygium syndrome. Last evaluated: 2026-01-07. Review status: criteria provided, single submitter. Criteria: Invitae Variant Classification Sherloc (09022015). Collection method: clinical testing. Allele origin: germline.
Comment: This sequence change replaces arginine, which is basic and polar, with histidine, which is basic and polar, at codon 191 of the CHRND protein (p.Arg191His). This variant is present in population databases (rs748125160, gnomAD 0.02%). This variant has not been reported in the literature in individuals affected with CHRND-related conditions. ClinVar contains an entry for this variant (Variation ID: 2440042). Invitae Evidence Modeling of protein sequence and biophysical properties (such as structural, functional, and spatial information, amino acid conservation, physicochemical variation, residue mobility, and thermodynamic stability) indicates that this missense variant is not expected to disrupt CHRND protein function with a negative predictive value of 95%. In summary, the available evidence is currently insufficient to determine the role of this variant in disease. Therefore, it has been classified as a Variant of Uncertain Significance.

Ambry Genetics
Classification: Uncertain significance for Inborn genetic diseases. Last evaluated: 2025-01-08. Review status: criteria provided, single submitter. Criteria: Ambry Variant Classification Scheme 2023. Collection method: clinical testing. Allele origin: germline.

Revvity Omics, Revvity
Classification: Uncertain significance. Last evaluated: 2019-12-09. Review status: criteria provided, single submitter. Criteria: ACMG Guidelines, 2015. Collection method: clinical testing. Allele origin: germline.